The following is an entry in ClinVar:

NM_198428.3(BBS9):c.540G>A (p.Leu180=)

Gene: BBS9 (Bardet-Biedl syndrome 9; plus strand). Cytogenetic location: 7p14.3.
Variant type: single nucleotide variant.
Coding change: c.540G>A on transcript NM_198428.3 (MANE Select); coding-DNA position 540, G replaced by A.
Protein change: p.Leu180=; no amino-acid change (leucine 180 retained).
Molecular consequence: synonymous variant. On other transcripts: non-coding transcript variant (3).
Genome position (GRCh38, 1-based): chr7:33,257,333, G>A. VCF-style: chr7-33257333-G-A. GRCh37 (hg19) VCF-style: chr7-33296945-G-A.
Other names: c.540G>A, p.Leu180= (NM_001033604.2, NM_001033605.2, NM_001348036.1 and 7 more transcripts); c.174G>A, p.Leu58= (NM_001348037.3, NM_001348044.3, NM_001348045.3 and 1 more transcripts); c.267G>A, p.Leu89= (NM_001348038.3, NM_001348039.3); c.405G>A, p.Leu135= (NM_001348042.3).
Identifiers: ClinVar variation 2049646 (VCV002049646.6), dbSNP rs1368889257, ClinGen allele CA454455564.

ClinVar aggregate classification (germline): Likely benign. Review status: criteria provided, multiple submitters, no conflicts (2 of 4 stars). 3 submissions from 3 submitters: Likely benign (3). Last evaluated 2026-09-01.

Conditions:
Bardet-Biedl syndrome (BBS). Identifiers: Orphanet 110, MedGen C0752166, MONDO:0015229.

Allele frequency attached by ClinVar (database versions not stated): gnomAD 0.00001; TOPMed 0.00001.
gnomAD v4.1: 16 of 1,613,796 alleles (0.00099%); highest among the groups gnomAD compares: Middle Eastern, 0.033%; no homozygotes.

Submissions (3):

CeGaT Center for Human Genetics Tuebingen
Classification: Likely benign. Last evaluated: 2026-09-01. Review status: criteria provided, single submitter. Criteria: CeGaT Center For Human Genetics Tuebingen Variant Classification Criteria Version 2. Collection method: clinical testing. Allele origin: germline. Affected: yes. Observed: 1 variant allele.
Comment: BBS9: BP4, BP7

Labcorp Genetics (formerly Invitae), Labcorp
Classification: Likely benign for Bardet-Biedl syndrome. Last evaluated: 2025-03-03. Review status: criteria provided, single submitter. Criteria: Invitae Variant Classification Sherloc (09022015). Collection method: clinical testing. Allele origin: germline.

Blueprint Genetics
Classification: Likely benign. Last evaluated: 2024-09-07. Review status: criteria provided, single submitter. Criteria: ACMG Guidelines, 2015. Collection method: clinical testing. Allele origin: germline.